The following is an entry in ClinVar:

ClinVar aggregate classification (germline): Uncertain significance. Review status: criteria provided, multiple submitters, no conflicts (2 of 4 stars). 2 submissions from 2 submitters: Uncertain significance (2). Last evaluated 2025-11-09.

Conditions:
Hereditary cancer-predisposing syndrome. Also called: Hereditary Cancer Syndrome; Neoplastic Syndromes, Hereditary; Tumor predisposition; Hereditary neoplastic syndrome. Identifiers: Orphanet 140162, MedGen C0027672, MeSH D009386, MONDO:0015356.

gnomAD v4.1: 1 of 1,613,796 alleles (0.000062%); highest among the groups gnomAD compares: Non-Finnish European, 0.000085%; no homozygotes.

Submissions (2):

Ambry Genetics
Classification: Uncertain significance for Hereditary cancer-predisposing syndrome. Last evaluated: 2025-11-09. Review status: criteria provided, single submitter. Criteria: Ambry Variant Classification Scheme 2023. Collection method: clinical testing. Allele origin: germline.
Comment: The p.R551Q variant (also known as c.1652G>A), located in coding exon 11 of the CTNNA1 gene, results from a G to A substitution at nucleotide position 1652. The arginine at codon 551 is replaced by glutamine, an amino acid with highly similar properties. This amino acid position is highly conserved in available vertebrate species. In addition, this alteration is predicted to be deleterious by in silico analysis. Based on the available evidence, the clinical significance of this variant remains unclear.

Labcorp Genetics (formerly Invitae), Labcorp
Classification: Uncertain significance. Last evaluated: 2024-05-09. Review status: criteria provided, single submitter. Criteria: Invitae Variant Classification Sherloc (09022015). Collection method: clinical testing. Allele origin: germline.
Comment: This sequence change replaces arginine, which is basic and polar, with glutamine, which is neutral and polar, at codon 551 of the CTNNA1 protein (p.Arg551Gln). This variant is not present in population databases (gnomAD no frequency). This variant has not been reported in the literature in individuals affected with CTNNA1-related conditions. ClinVar contains an entry for this variant (Variation ID: 1021767). Advanced modeling of protein sequence and biophysical properties (such as structural, functional, and spatial information, amino acid conservation, physicochemical variation, residue mobility, and thermodynamic stability) performed at Invitae indicates that this missense variant is expected to disrupt CTNNA1 protein function with a positive predictive value of 80%. In summary, the available evidence is currently insufficient to determine the role of this variant in disease. Therefore, it has been classified as a Variant of Uncertain Significance.

NM_001903.5(CTNNA1):c.1652G>A (p.Arg551Gln)

Gene: CTNNA1 (catenin alpha 1; plus strand). Cytogenetic location: 5q31.2.
Variant type: single nucleotide variant.
Coding change: c.1652G>A on transcript NM_001903.5 (MANE Select); coding-DNA position 1652, G replaced by A.
Protein change: p.Arg551Gln; replaces arginine 551 with glutamine.
Molecular consequence: missense variant.
Genome position (GRCh38, 1-based): chr5:138,924,615, G>A. VCF-style: chr5-138924615-G-A. GRCh37 (hg19) VCF-style: chr5-138260304-G-A.
Other names: c.1652G>A (NM_001903.2); c.1652G>A, p.Arg551Gln (NM_001290307.3, NM_001323982.2, NM_001323983.1 and 2 more transcripts); c.1343G>A, p.Arg448Gln (NM_001290309.3); c.1283G>A, p.Arg428Gln (NM_001290310.3); c.542G>A, p.Arg181Gln (NM_001290312.1, NM_001323987.1, NM_001323988.1 and 17 more transcripts); c.1559G>A, p.Arg520Gln (NM_001323986.2); c.203G>A, p.Arg68Gln (NM_001324006.1, NM_001324007.1, NM_001324008.1 and 2 more transcripts); c.449G>A, p.Arg150Gln (NM_001324011.1); and 1 more; short protein forms R100Q, R150Q, R181Q, R428Q, R448Q, R520Q, R551Q, R68Q.
Identifiers: ClinVar variation 1021767 (VCV001021767.11), dbSNP rs1763613886, ClinGen allele CA361131899.